The following is an entry in ClinVar:

NM_182914.3(SYNE2):c.18312_18316del (p.Ser6105fs)

Gene: SYNE2 (spectrin repeat containing nuclear envelope protein 2; plus strand). Cytogenetic location: 14q23.2.
Variant type: Deletion.
Coding change: c.18312_18316del on transcript NM_182914.3 (MANE Select); coding-DNA positions 18312 to 18316, 5 bases deleted (CTCGA; older notation c.18312_18316delCTCGA).
Protein change: p.Ser6105fs; shifts the reading frame from serine 6105.
Molecular consequence: frameshift variant.
Genome position (GRCh38, 1-based): chr14:64,208,868-64,208,872, CTCGA deleted; deleting any 5 consecutive bases within chr14:64,208,866-64,208,872 gives the same sequence; the c. name uses the placement nearest the transcript's 3' end. VCF-style (leftmost placement, unchanged base first): chr14-64208865-TGACTC-T. GRCh37 (hg19) VCF-style: chr14-64675583-TGACTC-T.
Other names: c.18312_18316del, p.Ser6105fs (NM_015180.6); short protein forms S6105fs.
Identifiers: ClinVar variation 848406 (VCV000848406.7), dbSNP rs1177756267, ClinGen allele CA707699685.

ClinVar aggregate classification (germline): Uncertain significance (1 of 4 stars; one submission).

Conditions:
Emery-Dreifuss muscular dystrophy 5, autosomal dominant (EDMD5). Also called: EMERY-DREIFUSS MUSCULAR DYSTROPHY 5. Identifiers: Orphanet 261, MedGen C2751805, MONDO:0013072, OMIM 612999.

Submission:

Labcorp Genetics (formerly Invitae), Labcorp
Classification: Uncertain significance for Emery-Dreifuss muscular dystrophy 5, autosomal dominant. Last evaluated: 2022-06-04. Review status: criteria provided, single submitter. Criteria: Invitae Variant Classification Sherloc (09022015). Collection method: clinical testing. Allele origin: germline.
Comment: In summary, the available evidence is currently insufficient to determine the role of this variant in disease. Therefore, it has been classified as a Variant of Uncertain Significance. ClinVar contains an entry for this variant (Variation ID: 848406). This variant has not been reported in the literature in individuals affected with SYNE2-related conditions. This variant is not present in population databases (gnomAD no frequency). This sequence change creates a premature translational stop signal (p.Ser6105Profs*43) in the SYNE2 gene. It is expected to result in an absent or disrupted protein product. However, the current clinical and genetic evidence is not sufficient to establish whether loss-of-function variants in SYNE2 cause disease.